The following is an entry in ClinVar:

ClinVar aggregate classification (germline): Uncertain significance (1 of 4 stars; one submission).

Conditions:
Hereditary cancer-predisposing syndrome. Also called: Neoplastic Syndromes, Hereditary; Tumor predisposition; Hereditary Cancer Syndrome; Hereditary neoplastic syndrome. Identifiers: Orphanet 140162, MedGen C0027672, MeSH D009386, MONDO:0015356.

Submission:

Ambry Genetics
Classification: Uncertain significance for Hereditary cancer-predisposing syndrome. Last evaluated: 2025-10-22. Review status: criteria provided, single submitter. Criteria: Ambry Variant Classification Scheme 2023. Collection method: clinical testing. Allele origin: germline.
Comment: The p.S16C variant (also known as c.46A>T), located in coding exon 1 of the CHEK2 gene, results from an A to T substitution at nucleotide position 46. The serine at codon 16 is replaced by cysteine, an amino acid with dissimilar properties. This amino acid position is conserved. In addition, this alteration is predicted to be tolerated by in silico analysis. Based on the available evidence, the clinical significance of this variant remains unclear.

NM_007194.4(CHEK2):c.46A>T (p.Ser16Cys)

Gene: CHEK2 (checkpoint kinase 2; minus strand). Cytogenetic location: 22q12.1.
Variant type: single nucleotide variant.
Coding change: c.46A>T on transcript NM_007194.4 (MANE Select); coding-DNA position 46, A replaced by T.
Protein change: p.Ser16Cys; replaces serine 16 with cysteine.
Molecular consequence: missense variant. On other transcripts: 5 prime UTR variant (1), intron variant (1).
Genome position (GRCh38, 1-based): chr22:28,734,676, T>A on the plus strand (A>T on the coding strand, the complement: CHEK2 is on the minus strand). VCF-style: chr22-28734676-T-A. GRCh37 (hg19) VCF-style: chr22-29130664-T-A.
Other names: c.46A>T, p.Ser16Cys (NM_001005735.3, NM_001349956.3, NM_001438293.1 and 3 more transcripts); c.-732A>T (NM_001257387.3); c.-345+7093A>T (NM_001437942.1); short protein forms S16C.
Identifiers: ClinVar variation 4634860 (VCV004634860.1).